The following is an entry in ClinVar:

NM_000548.5(TSC2):c.3310C>T (p.Gln1104Ter)

Gene: TSC2 (TSC complex subunit 2; plus strand). Cytogenetic location: 16p13.3.
Variant type: single nucleotide variant.
Coding change: c.3310C>T on transcript NM_000548.5 (MANE Select); coding-DNA position 3310, C replaced by T.
Protein change: p.Gln1104Ter; replaces glutamine 1104 with a stop codon.
Molecular consequence: nonsense.
Genome position (GRCh38, 1-based): chr16:2,079,582, C>T. VCF-style: chr16-2079582-C-T. GRCh37 (hg19) VCF-style: chr16-2129583-C-T.
Other names: c.3178C>T, p.Gln1060Ter (NM_001077183.3, NM_001370404.1); c.3310C>T, p.Gln1104Ter (NM_001114382.3); c.3070C>T, p.Gln1024Ter (NM_001318827.2); c.3034C>T, p.Gln1012Ter (NM_001318829.2); c.2578C>T, p.Gln860Ter (NM_001318831.2); c.3211C>T, p.Gln1071Ter (NM_001318832.2); c.3181C>T, p.Gln1061Ter (NM_001363528.2, NM_001370405.1, NM_021055.3); short protein forms Q1104*, Q1024*, Q1061*, Q1012*, Q1060*, Q860*, Q1071*.
Identifiers: ClinVar variation 64972 (VCV000064972.11), dbSNP rs397514978, ClinGen allele CA018873.

ClinVar aggregate classification (germline): Pathogenic. Review status: criteria provided, multiple submitters, no conflicts (2 of 4 stars). 3 submissions from 3 submitters: Pathogenic (2). 1 of the submissions does not count toward it. Last evaluated 2024-01-22.

Conditions:
Tuberous sclerosis syndrome (TSC). Also called: Tuberous Sclerosis Complex; Tuberous sclerosis. Identifiers: Orphanet 805, MedGen C0041341, MONDO:0001734.
Tuberous sclerosis 2 (TSC2). Identifiers: Orphanet 805, MedGen C1860707, MONDO:0013199, OMIM 613254.

Submissions (3):

Labcorp Genetics (formerly Invitae), Labcorp
Classification: Pathogenic for Tuberous sclerosis 2. Last evaluated: 2024-01-22. Review status: criteria provided, single submitter. Criteria: Invitae Variant Classification Sherloc (09022015). Collection method: clinical testing. Allele origin: germline.
Comment: This sequence change creates a premature translational stop signal (p.Gln1104*) in the TSC2 gene. It is expected to result in an absent or disrupted protein product. Loss-of-function variants in TSC2 are known to be pathogenic (PMID: 10205261, 17304050). This variant is not present in population databases (gnomAD no frequency). This premature translational stop signal has been observed in individual(s) with tuberous sclerosis complex (PMID: 27494029). ClinVar contains an entry for this variant (Variation ID: 64972). Algorithms developed to predict the effect of sequence changes on RNA splicing suggest that this variant may disrupt the consensus splice site. For these reasons, this variant has been classified as Pathogenic.

3billion
Classification: Pathogenic for Tuberous sclerosis 2. Review status: criteria provided, single submitter. Criteria: ACMG Guidelines, 2015. Collection method: clinical testing. Allele origin: unknown. Affected: yes. Observed: 1 heterozygote.
Comment: The variant is not observed in the gnomAD v2.1.1 dataset. The variant is predicted to result in a loss or disruption of normal protein function through nonsense-mediated decay (NMD) or protein truncation. Multiple pathogenic variants are reported downstream of the variant. The variant has been reported to be associated with TSC2 related disorder (ClinVar ID: VCV000064972). Therefore, this variant is classified as Pathogenic according to the recommendation of ACMG/AMP guideline.

Tuberous sclerosis database (TSC2)
No classification provided. Condition: TSC. Review status: no classification provided. Criteria: Tuberous Sclerosis Database Assertion Criteria 2015. Collection method: curation. Allele origin: germline. Affected: yes. Not counted in ClinVar's aggregate classification.

Literature cited by the submitters: PubMed 10205261 (cited by Labcorp Genetics (formerly Invitae), Labcorp); PubMed 17304050 (cited by Labcorp Genetics (formerly Invitae), Labcorp); PubMed 27494029 (cited by Labcorp Genetics (formerly Invitae), Labcorp).